The following is an entry in ClinVar:

NM_005751.5(AKAP9):c.8800A>G (p.Ser2934Gly)

Gene: AKAP9 (A-kinase anchoring protein 9; plus strand). Cytogenetic location: 7q21.2.
Variant type: single nucleotide variant.
Coding change: c.8800A>G on transcript NM_005751.5 (MANE Select); coding-DNA position 8800, A replaced by G.
Protein change: p.Ser2934Gly; replaces serine 2934 with glycine.
Molecular consequence: missense variant.
Genome position (GRCh38, 1-based): chr7:92,084,908, A>G. VCF-style: chr7-92084908-A-G. GRCh37 (hg19) VCF-style: chr7-91714222-A-G.
Other names: c.3445A>G, p.Ser1149Gly (NM_001379277.1); c.8776A>G, p.Ser2926Gly (NM_147185.3); short protein forms S1149G, S2926G, S2934G.
Identifiers: ClinVar variation 1016848 (VCV001016848.8), dbSNP rs1814251685, ClinGen allele CA368141497.
Genomic context (GRCh38, chr7:92,084,908, plus strand): 5'-TATCTTACACACAGTCAGGGATTTGACATAGCATCAGAAGGCCGAGGAGAAGAAAGTGAA[A>G]GTGCAACAGATTCCTTTCCAAAGAAAATAAAGGTACTAAAAGATAGATACCTTTTATTAA-3'
Protein context (NP_005742.4, residues 2924-2944): ASEGRGEESE[Ser2934Gly]ATDSFPKKIK

ClinVar aggregate classification (germline): Uncertain significance (1 of 4 stars; one submission).

Conditions:
Long QT syndrome (LQTS). Identifiers: MedGen C0023976, MeSH D008133, MONDO:0002442. Disease mechanism: loss of function. Inheritance: Various modes of inheritance.

Allele frequency attached by ClinVar (database versions not stated): gnomAD exomes below 0.00001.
gnomAD v4.1: 1 of 1,613,528 alleles (0.000062%); highest among the groups gnomAD compares: South Asian, 0.0011%; no homozygotes.

Submission:

Labcorp Genetics (formerly Invitae), Labcorp
Classification: Uncertain significance for Long QT syndrome. Last evaluated: 2022-03-23. Review status: criteria provided, single submitter. Criteria: Invitae Variant Classification Sherloc (09022015). Collection method: clinical testing. Allele origin: germline.
Comment: ClinVar contains an entry for this variant (Variation ID: 1016848). This sequence change replaces serine, which is neutral and polar, with glycine, which is neutral and non-polar, at codon 2934 of the AKAP9 protein (p.Ser2934Gly). This variant is not present in population databases (gnomAD no frequency). This variant has not been reported in the literature in individuals affected with AKAP9-related conditions. Algorithms developed to predict the effect of missense changes on protein structure and function output the following: SIFT: "Tolerated"; PolyPhen-2: "Benign"; Align-GVGD: "Class C0". The glycine amino acid residue is found in multiple mammalian species, which suggests that this missense change does not adversely affect protein function. In summary, the available evidence is currently insufficient to determine the role of this variant in disease. Therefore, it has been classified as a Variant of Uncertain Significance.